The following is an entry in ClinVar:

ClinVar aggregate classification (germline): Pathogenic/Likely pathogenic. Review status: criteria provided, multiple submitters, no conflicts (2 of 4 stars). 4 submissions from 4 submitters: Pathogenic (3); Likely pathogenic (1). Last evaluated 2026-01-26.

Conditions:
Hereditary hyperekplexia. Identifiers: Orphanet 3197, MedGen C4084968, MONDO:0021022.
Hyperekplexia 1 (STHE). Also called: HYPEREKPLEXIA 1, AUTOSOMAL RECESSIVE; HYPEREKPLEXIA 1, AUTOSOMAL DOMINANT; STARTLE DISEASE, FAMILIAL; STIFF-BABY SYNDROME; STIFF-MAN SYNDROME, CONGENITAL; STIFF-PERSON SYNDROME, CONGENITAL. Identifiers: Orphanet 3197, MedGen C4551954, MONDO:0007868, OMIM 149400.

Allele frequency attached by ClinVar (database versions not stated): gnomAD 0.00001; gnomAD exomes 0.00002; TOPMed below 0.00001; ExAC 0.00003.
gnomAD v4.1: 23 of 1,613,804 alleles (0.0014%); highest among the groups gnomAD compares: South Asian, 0.0033%; no homozygotes.

Submissions (4):

Medical and Scientific Branch, Hong Kong Genome Institute
Classification: Likely pathogenic for Hyperekplexia 1. Last evaluated: 2026-01-26. Review status: criteria provided, single submitter. Criteria: ACMG Guidelines, 2015. Collection method: clinical testing. Allele origin: paternal. Affected: yes.

Genomic Medicine Center of Excellence, King Faisal Specialist Hospital and Research Centre
Classification: Pathogenic for Hyperekplexia 1. Last evaluated: 2025-09-10. Review status: criteria provided, single submitter. Criteria: ACMG Guidelines, 2015. Collection method: clinical testing. Allele origin: germline.

Labcorp Genetics (formerly Invitae), Labcorp
Classification: Pathogenic for Hereditary hyperekplexia. Last evaluated: 2025-08-09. Review status: criteria provided, single submitter. Criteria: Invitae Variant Classification Sherloc (09022015). Collection method: clinical testing. Allele origin: germline.
Comment: This sequence change replaces arginine, which is basic and polar, with histidine, which is basic and polar, at codon 280 of the GLRA1 protein (p.Arg280His). This variant is present in population databases (rs281864918, gnomAD 0.006%). This missense change has been observed in individual(s) with autosomal recessive hyperekplexia (PMID: 10514101; internal data). In at least one individual the data is consistent with being in trans (on the opposite chromosome) from a pathogenic variant. It has also been observed to segregate with disease in related individuals. This variant is also known as Arg252His. ClinVar contains an entry for this variant (Variation ID: 242679). Invitae Evidence Modeling of protein sequence and biophysical properties (such as structural, functional, and spatial information, amino acid conservation, physicochemical variation, residue mobility, and thermodynamic stability) indicates that this missense variant is expected to disrupt GLRA1 protein function with a positive predictive value of 80%. Experimental studies have shown that this missense change affects GLRA1 function (PMID: 12169101, 19732286). This variant disrupts the p.Arg280 amino acid residue in GLRA1. Other variant(s) that disrupt this residue have been observed in individuals with GLRA1-related conditions (PMID: 20631190), which suggests that this may be a clinically significant amino acid residue. For these reasons, this variant has been classified as Pathogenic.

GeneDx
Classification: Pathogenic. Last evaluated: 2025-03-28. Review status: criteria provided, single submitter. Criteria: GeneDx Variant Classification Process June 2021. Collection method: clinical testing. Allele origin: germline. Affected: yes.
Comment: In silico analysis supports that this missense variant has a deleterious effect on protein structure/function; This variant is associated with the following publications: (PMID: 35841715, 12169101, 19732286, 31069529, 10514101)

Literature cited by the submitters: PubMed 10514101 (cited by Labcorp Genetics (formerly Invitae), Labcorp); PubMed 12169101 (cited by Labcorp Genetics (formerly Invitae), Labcorp); PubMed 19732286 (cited by Labcorp Genetics (formerly Invitae), Labcorp); PubMed 20631190 (cited by Labcorp Genetics (formerly Invitae), Labcorp).

NM_000171.4(GLRA1):c.839G>A (p.Arg280His)

Gene: GLRA1 (glycine receptor alpha 1; minus strand). Cytogenetic location: 5q33.1.
Variant type: single nucleotide variant.
Coding change: c.839G>A on transcript NM_000171.4 (MANE Select); coding-DNA position 839, G replaced by A.
Protein change: p.Arg280His; replaces arginine 280 with histidine.
Molecular consequence: missense variant.
Genome position (GRCh38, 1-based): chr5:151,851,463, C>T on the plus strand (G>A on the coding strand, the complement: GLRA1 is on the minus strand). VCF-style: chr5-151851463-C-T. GRCh37 (hg19) VCF-style: chr5-151231024-C-T.
Other names: c.839G>A, p.Arg280His (NM_001146040.2); c.590G>A, p.Arg197His (NM_001292000.2); short protein forms R280H, R197H.
Identifiers: ClinVar variation 242679 (VCV000242679.13), dbSNP rs281864918, ClinGen allele CA356539.
Genomic context (GRCh38, chr5:151,851,463, plus strand): 5'-GCTCGAGAGCCGGAGCTCTGGGTGGTCATGGTGAGCACAGTGGTGATGCCTAGGCCCACA[C>T]GAGCAGGTGCAGCATCCATGTTGATCCAGAAGGAGATCCATGAGAGGATGACAATGAGCA-3'
Protein context (NP_000162.2, residues 270-290): FWINMDAAPA[Arg280His]VGLGITTVLT